The following is an entry in ClinVar:

NM_001323289.2(CDKL5):c.2254dup (p.Arg752fs)

Gene: CDKL5 (cyclin dependent kinase like 5; plus strand). Cytogenetic location: Xp22.13.
Variant type: Duplication.
Coding change: c.2254dup on transcript NM_001323289.2 (MANE Select); coding-DNA position 2254, one base duplicated (A; older notation c.2254dupA).
Protein change: p.Arg752fs; shifts the reading frame from arginine 752.
Molecular consequence: frameshift variant.
Genome position (GRCh38, 1-based): chrX:18,613,253, A duplicated; the last of 5 consecutive A bases (chrX:18,613,249-18,613,253); duplicating any one gives the same sequence. VCF-style (leftmost placement, unchanged base first): chrX-18613248-C-CA. GRCh37 (hg19) VCF-style: chrX-18631368-C-CA.
Other names: c.2254dup, p.Arg752fs (NM_001037343.2, NM_003159.3); c.2254_2255insA (NM_003159.2); short protein forms R752fs.
Identifiers: ClinVar variation 156649 (VCV000156649.1), dbSNP rs587783121, ClinGen allele CA294687.

ClinVar aggregate classification (germline): Pathogenic (1 of 4 stars; one submission).

Submission:

GeneDx
Classification: Pathogenic. Last evaluated: 2013-09-05. Review status: criteria provided, single submitter. Criteria: GeneDx Variant Classification (06012015). Collection method: clinical testing. Allele origin: germline. Affected: yes.
Comment: The c.2254_2255insA (aka c.2254dupA) mutation in the CDKL5 gene causes a frameshift starting with codon Arginine 752, changes this amino acid to a Lysine residue and creates a premature Stop codon at position 12 of the new reading frame, denoted p.Arg752LysfsX12. This mutation is predicted to cause loss of normal protein function either through protein truncation or nonsense-mediated mRNA decay. Although this mutation has not been reported previously to our knowledge, other frameshift mutations have been reported in the CDKL5 gene in association with epilepsy. The variant is found in EPILEPSY panel(s).